The following is an entry in ClinVar:

ClinVar aggregate classification (germline): Pathogenic/Likely pathogenic. Review status: criteria provided, multiple submitters, no conflicts (2 of 4 stars). 2 submissions from 2 submitters: Pathogenic (1); Likely pathogenic (1). Last evaluated 2025-01-09.

Conditions:
Xeroderma pigmentosum, group C (XPC). Also called: Xeroderma pigmentosum, complementation group C; XERODERMA PIGMENTOSUM III; XP, GROUP C; XPC-Related Xeroderma Pigmentosum. Identifiers: Orphanet 910, MedGen C2752147, MONDO:0010211, OMIM 278720.

gnomAD v4.1: 1 of 1,614,016 alleles (0.000062%); highest among the groups gnomAD compares: Non-Finnish European, 0.000085%; no homozygotes.

Submissions (2):

Labcorp Genetics (formerly Invitae), Labcorp
Classification: Pathogenic. Last evaluated: 2025-01-09. Review status: criteria provided, single submitter. Criteria: Invitae Variant Classification Sherloc (09022015). Collection method: clinical testing. Allele origin: germline.
Comment: This sequence change creates a premature translational stop signal (p.Glu755*) in the XPC gene. It is expected to result in an absent or disrupted protein product. Loss-of-function variants in XPC are known to be pathogenic (PMID: 23173980, 25256075). This variant is not present in population databases (gnomAD no frequency). This variant has not been reported in the literature in individuals affected with XPC-related conditions. ClinVar contains an entry for this variant (Variation ID: 1071266). For these reasons, this variant has been classified as Pathogenic.

Fulgent Genetics
Classification: Likely pathogenic for Xeroderma pigmentosum, group C. Last evaluated: 2024-05-10. Review status: criteria provided, single submitter. Criteria: ACMG Guidelines, 2015. Collection method: clinical testing. Allele origin: germline.

Literature cited by the submitters: PubMed 23173980 (cited by Labcorp Genetics (formerly Invitae), Labcorp); PubMed 25256075 (cited by Labcorp Genetics (formerly Invitae), Labcorp).

NM_004628.5(XPC):c.2263G>T (p.Glu755Ter)

Gene: XPC (XPC complex subunit, DNA damage recognition and repair factor; minus strand). Cytogenetic location: 3p25.1.
Variant type: single nucleotide variant.
Coding change: c.2263G>T on transcript NM_004628.5 (MANE Select); coding-DNA position 2263, G replaced by T.
Protein change: p.Glu755Ter; replaces glutamic acid 755 with a stop codon.
Molecular consequence: nonsense. On other transcripts: non-coding transcript variant (2).
Genome position (GRCh38, 1-based): chr3:14,148,719, C>A on the plus strand (G>T on the coding strand, the complement: XPC is on the minus strand). VCF-style: chr3-14148719-C-A. GRCh37 (hg19) VCF-style: chr3-14190219-C-A.
Other names: c.1684G>T, p.Glu562Ter (NM_001354726.2); c.2257G>T, p.Glu753Ter (NM_001354727.2); c.2245G>T, p.Glu749Ter (NM_001354729.2); c.2017G>T, p.Glu673Ter (NM_001354730.2); short protein forms E562*, E673*, E749*, E753*, E755*.
Identifiers: ClinVar variation 1071266 (VCV001071266.8), dbSNP rs776361955, ClinGen allele CA351537978.